The following is an entry in ClinVar:

ClinVar aggregate classification (germline): Likely benign (1 of 4 stars; one submission).

Conditions:
ZNF462-related disorder. Also called: ZNF462-related condition; ZNF462 related disease.

gnomAD v4.1: 59 of 1,614,018 alleles (0.0037%); highest among the groups gnomAD compares: Admixed American, 0.053%; no homozygotes.

Submission:

PreventionGenetics, part of Exact Sciences
Classification: Likely benign for ZNF462-related condition. Last evaluated: 2026-08-05. Review status: criteria provided, single submitter. Criteria: ACMG Guidelines, 2015. Collection method: clinical testing. Allele origin: germline.
Comment: This variant is classified as likely benign based on ACMG/AMP sequence variant interpretation guidelines (Richards et al. 2015 PMID: 25741868, with internal and published modifications).

NM_021224.6(ZNF462):c.2232G>A (p.Pro744=)

Gene: ZNF462 (zinc finger protein 462; plus strand). Cytogenetic location: 9q31.2.
Variant type: single nucleotide variant.
Coding change: c.2232G>A on transcript NM_021224.6 (MANE Select); coding-DNA position 2232, G replaced by A.
Protein change: p.Pro744=; no amino-acid change (proline 744 retained).
Molecular consequence: synonymous variant.
Genome position (GRCh38, 1-based): chr9:106,926,144, G>A. VCF-style: chr9-106926144-G-A. GRCh37 (hg19) VCF-style: chr9-109688425-G-A.
Other names: c.2232G>A, p.Pro744= (NM_001347997.2).
Identifiers: ClinVar variation 4981959 (VCV004981959.1).
Genomic context (GRCh38, chr9:106,926,144, plus strand): 5'-AGAGGAAGAGGAAGACAACGAAGTCGAGATAGAGGTTGAGTTGGACAGGGAGGAAGAACC[G>A]ACAGAACCCATCATAGAGGTTCCCACTTCCTTTTCTGCCCAACAGATATGGGTAAGAGAT-3'
Protein context (NP_067047.4, residues 734-754): IEVELDREEE[Pro744=]TEPIIEVPTS